The following is an entry in ClinVar:

NM_001278064.2(GRM1):c.2922T>C (p.Pro974=)

Gene: GRM1 (glutamate metabotropic receptor 1; plus strand). Cytogenetic location: 6q24.3.
Variant type: single nucleotide variant.
Coding change: c.2922T>C on transcript NM_001278064.2 (MANE Select); coding-DNA position 2922, T replaced by C.
Protein change: p.Pro974=; no amino-acid change (proline 974 retained).
Molecular consequence: synonymous variant. On other transcripts: 3 prime UTR variant (3).
Genome position (GRCh38, 1-based): chr6:146,434,133, T>C. VCF-style: chr6-146434133-T-C. GRCh37 (hg19) VCF-style: chr6-146755269-T-C.
Other names: c.*286T>C (NM_001278065.2); c.*251T>C (NM_001278066.1); c.*160T>C (NM_001278067.1).
Identifiers: ClinVar variation 585961 (VCV000585961.44), dbSNP rs142409803, ClinGen allele CA4037584.

ClinVar aggregate classification (germline): Benign/Likely benign. Review status: criteria provided, multiple submitters, no conflicts (2 of 4 stars). 4 submissions from 4 submitters: Benign (2); Likely benign (2). Last evaluated 2026-03-01.

Allele frequency attached by ClinVar (database versions not stated): 1000 Genomes Project 30x 0.00016; 1000 Genomes Project 0.00020; TOPMed 0.00040; ESP Exome Variant Server 0.00046; gnomAD 0.00062 and 0.00065; gnomAD exomes 0.00063 and 0.00072; ExAC 0.00083.
gnomAD v4.1: 993 of 1,614,118 alleles (0.062%); highest among the groups gnomAD compares: Non-Finnish European, 0.072%; 1 homozygote.

Submissions (4):

CeGaT Center for Human Genetics Tuebingen
Classification: Likely benign. Last evaluated: 2026-03-01. Review status: criteria provided, single submitter. Criteria: CeGaT Center For Human Genetics Tuebingen Variant Classification Criteria Version 2. Collection method: clinical testing. Allele origin: germline. Affected: yes. Observed: 15 variant alleles.
Comment: GRM1: BP4, BP7

Labcorp Genetics (formerly Invitae), Labcorp
Classification: Benign. Last evaluated: 2026-02-01. Review status: criteria provided, single submitter. Criteria: Invitae Variant Classification Sherloc (09022015). Collection method: clinical testing. Allele origin: germline.

Blueprint Genetics
Classification: Likely benign. Last evaluated: 2024-11-26. Review status: criteria provided, single submitter. Criteria: ACMG Guidelines, 2015. Collection method: clinical testing. Allele origin: germline.

Athena Diagnostics
Classification: Benign. Last evaluated: 2021-02-10. Review status: criteria provided, single submitter. Criteria: Athena Diagnostics criteria. Collection method: clinical testing. Allele origin: unknown.

Literature cited by the submitters: PubMed 22558107 (cited by Athena Diagnostics).